The following is an entry in ClinVar:

NM_000416.3(IFNGR1):c.748C>T (p.Pro250Ser)

Gene: IFNGR1 (interferon gamma receptor 1; minus strand). Cytogenetic location: 6q23.3.
Variant type: single nucleotide variant.
Coding change: c.748C>T on transcript NM_000416.3 (MANE Select); coding-DNA position 748, C replaced by T.
Protein change: p.Pro250Ser; replaces proline 250 with serine.
Molecular consequence: missense variant.
Genome position (GRCh38, 1-based): chr6:137,200,994, G>A on the plus strand (C>T on the coding strand, the complement: IFNGR1 is on the minus strand). VCF-style: chr6-137200994-G-A. GRCh37 (hg19) VCF-style: chr6-137522131-G-A.
Other names: c.718C>T, p.Pro240Ser (NM_001363526.1); c.625C>T, p.Pro209Ser (NM_001363527.1); short protein forms P240S, P209S, P250S.
Identifiers: ClinVar variation 3671815 (VCV003671815.2).
Genomic context (GRCh38, chr6:137,200,994, plus strand): 5'-TATAAAAACAGATGAATACCAGGCTAAGCACTAGAAAGAGTAGTAAAGCAGCAACAACTG[G>A]AATCCAAAGAGAACCTTAAAAAAGGCAGAAATCACAAGTTACAATTAAGATGGAATACTG-3'
Protein context (NP_000407.1, residues 240-260): NSSIKGSLWI[Pro250Ser]VVAALLLFLV

ClinVar aggregate classification (germline): Uncertain significance (1 of 4 stars; one submission).

Conditions:
Disseminated atypical mycobacterial infection. Identifiers: MedGen C0694566.

Submission:

Labcorp Genetics (formerly Invitae), Labcorp
Classification: Uncertain significance for Disseminated atypical mycobacterial infection. Last evaluated: 2024-09-27. Review status: criteria provided, single submitter. Criteria: Invitae Variant Classification Sherloc (09022015). Collection method: clinical testing. Allele origin: germline.
Comment: This sequence change replaces proline, which is neutral and non-polar, with serine, which is neutral and polar, at codon 250 of the IFNGR1 protein (p.Pro250Ser). This variant is present in population databases (no rsID available, gnomAD 0.003%). This variant has not been reported in the literature in individuals affected with IFNGR1-related conditions. Invitae Evidence Modeling of protein sequence and biophysical properties (such as structural, functional, and spatial information, amino acid conservation, physicochemical variation, residue mobility, and thermodynamic stability) indicates that this missense variant is not expected to disrupt IFNGR1 protein function with a negative predictive value of 80%. Algorithms developed to predict the effect of sequence changes on RNA splicing suggest that this variant may disrupt the consensus splice site. In summary, the available evidence is currently insufficient to determine the role of this variant in disease. Therefore, it has been classified as a Variant of Uncertain Significance.